The following is an entry in ClinVar:

ClinVar aggregate classification (germline): Likely pathogenic (1 of 4 stars; one submission).

Conditions:
Bardet-Biedl syndrome 2 (BBS2). Identifiers: Orphanet 110, MedGen C2936863, MONDO:0014432, OMIM 615981.

Submission:

Myriad Genetics, Inc.
Classification: Likely pathogenic for Bardet-Biedl syndrome 2. Last evaluated: 2020-01-04. Review status: criteria provided, single submitter. Criteria: Myriad Women's Health Autosomal Recessive and X-Linked Classification Criteria (2019). Collection method: clinical testing. Allele origin: unknown.
Comment: NM_031885.3(BBS2):c.302T>A(L101*) is expected to be pathogenic in the context of Bardet-Biedl syndrome, BBS2-related. This variant is predicted to lead to an abnormal or absent protein product due to the creation of a premature termination codon in BBS2, a gene where loss-of-function variants are known to be pathogenic. Please note: this variant was assessed in the context of healthy population screening.

NM_031885.5(BBS2):c.302T>A (p.Leu101Ter)

Gene: BBS2 (Bardet-Biedl syndrome 2; minus strand). Cytogenetic location: 16q13.
Variant type: single nucleotide variant.
Coding change: c.302T>A on transcript NM_031885.5 (MANE Select); coding-DNA position 302, T replaced by A.
Protein change: p.Leu101Ter; replaces leucine 101 with a stop codon.
Molecular consequence: nonsense. On other transcripts: non-coding transcript variant (5).
Genome position (GRCh38, 1-based): chr16:56,514,496, A>T on the plus strand (T>A on the coding strand, the complement: BBS2 is on the minus strand). VCF-style: chr16-56514496-A-T. GRCh37 (hg19) VCF-style: chr16-56548408-A-T.
Other names: c.302T>A, p.Leu101Ter (NM_001377456.1); short protein forms L101*.
Identifiers: ClinVar variation 984327 (VCV000984327.3), dbSNP rs1964676419, ClinGen allele CA395985543.